The following is an entry in ClinVar:

NM_058004.4(PI4KA):c.76G>A (p.Ala26Thr)

Gene: PI4KA (phosphatidylinositol 4-kinase alpha; minus strand). Cytogenetic location: 22q11.21.
Variant type: single nucleotide variant.
Coding change: c.76G>A on transcript NM_058004.4 (MANE Select); coding-DNA position 76, G replaced by A.
Protein change: p.Ala26Thr; replaces alanine 26 with threonine.
Molecular consequence: missense variant.
Genome position (GRCh38, 1-based): chr22:20,858,650, C>T on the plus strand (G>A on the coding strand, the complement: PI4KA is on the minus strand). VCF-style: chr22-20858650-C-T. GRCh37 (hg19) VCF-style: chr22-21212938-C-T.
Other names: c.76G>A, p.Ala26Thr (NM_001362862.2, NM_001362863.2); short protein forms A26T.
Identifiers: ClinVar variation 5006451 (VCV005006451.2).

ClinVar aggregate classification (germline): Uncertain significance (1 of 4 stars; one submission).

Conditions:
Gastrointestinal defects and immunodeficiency syndrome 2 (GIDID2). Also called: MULTIPLE INTESTINAL ATRESIA WITH OR WITHOUT LEUKOPENIA. Identifiers: MedGen C5676901, MONDO:0030669, OMIM 619708.
Spastic paraplegia 84, autosomal recessive (SPG84). Identifiers: Orphanet 631079, MedGen C5562025, MONDO:0030482, OMIM 619621.
Polymicrogyria, perisylvian, with cerebellar hypoplasia and arthrogryposis (NEDSPLB). Identifiers: MedGen C4225295, MONDO:0014679, OMIM 616531.

gnomAD v4.1: 29 of 1,484,032 alleles (0.002%); highest among the groups gnomAD compares: East Asian, 0.046%; no homozygotes.

Submission:

Juno Genomics, Hangzhou Juno Genomics, Inc
Classification: Uncertain significance for Spastic paraplegia 84, autosomal recessive; Gastrointestinal defects and immunodeficiency syndrome 2; Polymicrogyria, perisylvian, with cerebellar hypoplasia and arthrogryposis. Review status: criteria provided, single submitter. Criteria: ACMG Guidelines, 2015. Collection method: clinical testing. Allele origin: germline.
Comment: Absent from controls (or at extremely low frequency if recessive) in Genome Aggregation Database.;Missense variant in a gene that has a low rate of benign missense variation.